The following is an entry in ClinVar:

NM_032802.4(SPPL2A):c.1126C>T (p.Pro376Ser)

Gene: SPPL2A (signal peptide peptidase like 2A; minus strand). Cytogenetic location: 15q21.2.
Variant type: single nucleotide variant.
Coding change: c.1126C>T on transcript NM_032802.4 (MANE Select); coding-DNA position 1126, C replaced by T.
Protein change: p.Pro376Ser; replaces proline 376 with serine.
Molecular consequence: missense variant.
Genome position (GRCh38, 1-based): chr15:50,726,341, G>A on the plus strand (C>T on the coding strand, the complement: SPPL2A is on the minus strand). VCF-style: chr15-50726341-G-A. GRCh37 (hg19) VCF-style: chr15-51018538-G-A.
Other names: short protein forms P376S.
Identifiers: ClinVar variation 2006804 (VCV002006804.4), dbSNP rs2542808834, ClinGen allele CA392409362.

ClinVar aggregate classification (germline): Uncertain significance (1 of 4 stars; one submission).

Submission:

Labcorp Genetics (formerly Invitae), Labcorp
Classification: Uncertain significance. Last evaluated: 2024-03-11. Review status: criteria provided, single submitter. Criteria: Invitae Variant Classification Sherloc (09022015). Collection method: clinical testing. Allele origin: germline.
Comment: This sequence change replaces proline, which is neutral and non-polar, with serine, which is neutral and polar, at codon 376 of the SPPL2A protein (p.Pro376Ser). This variant is not present in population databases (gnomAD no frequency). This variant has not been reported in the literature in individuals affected with SPPL2A-related conditions. ClinVar contains an entry for this variant (Variation ID: 2006804). An algorithm developed to predict the effect of missense changes on protein structure and function (PolyPhen-2) suggests that this variant is likely to be disruptive. In summary, the available evidence is currently insufficient to determine the role of this variant in disease. Therefore, it has been classified as a Variant of Uncertain Significance.